The following is an entry in ClinVar:

ClinVar aggregate classification (germline): Uncertain significance (1 of 4 stars; one submission).

Submission:

Labcorp Genetics (formerly Invitae), Labcorp
Classification: Uncertain significance. Last evaluated: 2024-08-06. Review status: criteria provided, single submitter. Criteria: Invitae Variant Classification Sherloc (09022015). Collection method: clinical testing. Allele origin: germline.
Comment: This sequence change replaces arginine, which is basic and polar, with proline, which is neutral and non-polar, at codon 104 of the DMRT2 protein (p.Arg104Pro). This variant is not present in population databases (gnomAD no frequency). This variant has not been reported in the literature in individuals affected with DMRT2-related conditions. An algorithm developed to predict the effect of missense changes on protein structure and function (PolyPhen-2) suggests that this variant is likely to be tolerated. In summary, the available evidence is currently insufficient to determine the role of this variant in disease. Therefore, it has been classified as a Variant of Uncertain Significance.

NM_181872.6(DMRT2):c.311G>C (p.Arg104Pro)

Gene: DMRT2 (doublesex and mab-3 related transcription factor 2; plus strand). Cytogenetic location: 9p24.3.
Variant type: single nucleotide variant.
Coding change: c.311G>C on transcript NM_181872.6 (MANE Select); coding-DNA position 311, G replaced by C.
Protein change: p.Arg104Pro; replaces arginine 104 with proline.
Molecular consequence: missense variant. On other transcripts: 5 prime UTR variant (1), non-coding transcript variant (1).
Genome position (GRCh38, 1-based): chr9:1,051,924, G>C. VCF-style: chr9-1051924-G-C. GRCh37 (hg19) VCF-style: chr9-1051924-G-C.
Other names: c.311G>C, p.Arg104Pro (NM_001130865.3, NM_001370531.1, NM_001370533.1 and 4 more transcripts); c.-340G>C (NM_001370532.1); short protein forms R104P.
Identifiers: ClinVar variation 3697722 (VCV003697722.2).